The following is an entry in ClinVar:

ClinVar aggregate classification (germline): Likely benign (1 of 4 stars; one submission).

Submission:

CeGaT Center for Human Genetics Tuebingen
Classification: Likely benign. Last evaluated: 2025-05-01. Review status: criteria provided, single submitter. Criteria: CeGaT Center For Human Genetics Tuebingen Variant Classification Criteria Version 2. Collection method: clinical testing. Allele origin: germline. Affected: yes. Observed: 1 variant allele.
Comment: IRF6: BP4, BP7

NM_006147.4(IRF6):c.1320C>T (p.Tyr440=)

Gene: IRF6 (interferon regulatory factor 6; minus strand). Cytogenetic location: 1q32.2.
Variant type: single nucleotide variant.
Coding change: c.1320C>T on transcript NM_006147.4 (MANE Select); coding-DNA position 1320, C replaced by T.
Protein change: p.Tyr440=; no amino-acid change (tyrosine 440 retained).
Molecular consequence: synonymous variant.
Genome position (GRCh38, 1-based): chr1:209,788,504, G>A on the plus strand (C>T on the coding strand, the complement: IRF6 is on the minus strand). VCF-style: chr1-209788504-G-A. GRCh37 (hg19) VCF-style: chr1-209961849-G-A.
Other names: c.1035C>T, p.Tyr345= (NM_001206696.2).
Identifiers: ClinVar variation 3905516 (VCV003905516.10).